The following is an entry in ClinVar:

NM_032119.4(ADGRV1):c.16759T>A (p.Ser5587Thr)

Gene: ADGRV1 (adhesion G protein-coupled receptor V1; plus strand). Cytogenetic location: 5q14.3.
Variant type: single nucleotide variant.
Coding change: c.16759T>A on transcript NM_032119.4 (MANE Select); coding-DNA position 16759, T replaced by A.
Protein change: p.Ser5587Thr; replaces serine 5587 with threonine.
Molecular consequence: missense variant. On other transcripts: non-coding transcript variant (1).
Genome position (GRCh38, 1-based): chr5:90,840,725, T>A. VCF-style: chr5-90840725-T-A. GRCh37 (hg19) VCF-style: chr5-90136542-T-A.
Other names: short protein forms S5587T.
Identifiers: ClinVar variation 2430811 (VCV002430811.1), dbSNP rs2532439969, ClinGen allele CA360428447.

ClinVar aggregate classification (germline): Uncertain significance (1 of 4 stars; one submission).

Submission:

GeneDx
Classification: Uncertain significance. Last evaluated: 2022-08-24. Review status: criteria provided, single submitter. Criteria: GeneDx Variant Classification Process June 2021. Collection method: clinical testing. Allele origin: germline. Affected: yes.
Comment: Not observed at significant frequency in large population cohorts (gnomAD); In silico analysis supports that this missense variant does not alter protein structure/function; Has not been previously published as pathogenic or benign to our knowledge